The following is an entry in ClinVar:

NM_007294.4(BRCA1):c.5243G>C (p.Gly1748Ala)

Gene: BRCA1 (BRCA1 DNA repair associated; minus strand). Cytogenetic location: 17q21.31.
Variant type: single nucleotide variant.
Coding change: c.5243G>C on transcript NM_007294.4 (MANE Select); coding-DNA position 5243, G replaced by C.
Protein change: p.Gly1748Ala; replaces glycine 1748 with alanine.
Molecular consequence: missense variant. On other transcripts: non-coding transcript variant (1).
Genome position (GRCh38, 1-based): chr17:43,057,086, C>G on the plus strand (G>C on the coding strand, the complement: BRCA1 is on the minus strand). VCF-style: chr17-43057086-C-G. GRCh37 (hg19) VCF-style: chr17-41209103-C-G.
Other names: c.5030G>C, p.Gly1677Ala (NM_001407571.1, NM_001407900.1, NM_001407902.1 and 12 more transcripts); c.5309G>C, p.Gly1770Ala (NM_001407581.1, NM_001407582.1); c.5306G>C, p.Gly1769Ala (NM_001407583.1, NM_001407585.1, NM_001407587.1 and 1 more transcripts); c.5303G>C, p.Gly1768Ala (NM_001407590.1, NM_001407591.1); c.5243G>C, p.Gly1748Ala (NM_001407593.1, NM_001407594.1, NM_001407596.1 and 7 more transcripts); c.5240G>C, p.Gly1747Ala (NM_001407610.1, NM_001407611.1, NM_001407612.1 and 17 more transcripts); c.5237G>C, p.Gly1746Ala (NM_001407629.1, NM_001407630.1, NM_001407631.1 and 14 more transcripts); c.5183G>C, p.Gly1728Ala (NM_001407649.1); and 72 more; short protein forms G1748A, G644A, G1701A, G1769A, G1579A, G1658A, G1660A, G1677A.
Identifiers: ClinVar variation 867884 (VCV000867884.3), dbSNP rs397509243, ClinGen allele CA10591058.

Conditions:
Breast-ovarian cancer, familial, susceptibility to, 1 (BROVCA1). Also called: BRCA1 Hereditary Breast and Ovarian Cancer; OVARIAN CANCER, SUSCEPTIBILITY TO. Identifiers: Orphanet 145, MedGen C2676676, MONDO:0011450, OMIM 604370. Disease mechanism: loss of function.

Submission:

Brotman Baty Institute, University of Washington
No classification provided (evidence only). Condition: Breast-ovarian cancer, familial 1. Review status: no classification provided. Collection method: in vitro. Allele origin: not applicable. Functional consequence: functionally_normal.
ClinVar note: "not provided" was previously submitted as the classification for the variant. However, the classification appeared to be based only on an observation of functional data so it was converted to no classification on 2025-07-30.